The following is an entry in ClinVar:

ClinVar aggregate classification (germline): Uncertain significance. Review status: criteria provided, multiple submitters, no conflicts (2 of 4 stars). 3 submissions from 3 submitters: Uncertain significance (3). Last evaluated 2025-03-18.

Conditions:
Intellectual developmental disorder, autosomal recessive 61. Also called: ALWADEI SYNDROME; Intellectual disability, autosomal recessive 61; MENTAL RETARDATION, AUTOSOMAL RECESSIVE 61. Identifiers: MedGen C4540424, MONDO:0030915, OMIM 617773.

Allele frequency attached by ClinVar (database versions not stated): 1000 Genomes Project 0.00040; gnomAD 0.00003 and 0.00001; 1000 Genomes Project 30x 0.00031; ExAC 0.00003; gnomAD exomes 0.00003; TOPMed 0.00004.
gnomAD v4.1: 80 of 1,605,774 alleles (0.005%); highest among the groups gnomAD compares: Non-Finnish European, 0.0061%; no homozygotes.

Submissions (3):

Ambry Genetics
Classification: Uncertain significance. Last evaluated: 2025-03-18. Review status: criteria provided, single submitter. Criteria: Ambry Variant Classification Scheme 2023. Collection method: clinical testing. Allele origin: germline.

Labcorp Genetics (formerly Invitae), Labcorp
Classification: Uncertain significance. Last evaluated: 2022-08-19. Review status: criteria provided, single submitter. Criteria: Invitae Variant Classification Sherloc (09022015). Collection method: clinical testing. Allele origin: germline.
Comment: This sequence change replaces arginine, which is basic and polar, with tryptophan, which is neutral and slightly polar, at codon 872 of the RUSC2 protein (p.Arg872Trp). This variant is present in population databases (rs201335495, gnomAD 0.007%). This variant has not been reported in the literature in individuals affected with RUSC2-related conditions. ClinVar contains an entry for this variant (Variation ID: 1031868). Algorithms developed to predict the effect of missense changes on protein structure and function are either unavailable or do not agree on the potential impact of this missense change (SIFT: "Deleterious"; PolyPhen-2: "Probably Damaging"; Align-GVGD: "Class C0"). In summary, the available evidence is currently insufficient to determine the role of this variant in disease. Therefore, it has been classified as a Variant of Uncertain Significance.

Baylor Genetics
Classification: Uncertain significance for Intellectual developmental disorder, autosomal recessive 61. Last evaluated: 2018-03-20. Review status: criteria provided, single submitter. Criteria: ACMG Guidelines, 2015. Collection method: clinical testing. Allele origin: maternal. Affected: yes.
Comment: This variant was determined to be of uncertain significance according to ACMG Guidelines, 2015 [PMID:25741868].

NM_014806.5(RUSC2):c.2614C>T (p.Arg872Trp)

Gene: RUSC2 (RUN and SH3 domain containing 2; plus strand). Cytogenetic location: 9p13.3.
Variant type: single nucleotide variant.
Coding change: c.2614C>T on transcript NM_014806.5 (MANE Select); coding-DNA position 2614, C replaced by T.
Protein change: p.Arg872Trp; replaces arginine 872 with tryptophan.
Molecular consequence: missense variant. On other transcripts: 5 prime UTR variant (1), non-coding transcript variant (1).
Genome position (GRCh38, 1-based): chr9:35,555,659, C>T. VCF-style: chr9-35555659-C-T. GRCh37 (hg19) VCF-style: chr9-35555656-C-T.
Other names: c.2614C>T, p.Arg872Trp (NM_001135999.2); c.-21C>T (NM_001330740.2); short protein forms R872W.
Identifiers: ClinVar variation 1031868 (VCV001031868.5), dbSNP rs201335495, ClinGen allele CA5043906.